The following is an entry in ClinVar:

ClinVar aggregate classification (germline): Pathogenic/Likely pathogenic. Review status: criteria provided, multiple submitters, no conflicts (2 of 4 stars). 2 submissions from 2 submitters: Pathogenic (1); Likely pathogenic (1). Last evaluated 2024-05-01.

Conditions:
Hereditary spastic paraplegia 31. Also called: SPASTIC PARAPLEGIA 31, AUTOSOMAL DOMINANT. Identifiers: Orphanet 101011, MedGen C1853247, MONDO:0012453, OMIM 610250.

Allele frequency attached by ClinVar (database versions not stated): TOPMed below 0.00001.
gnomAD v4.1: 1 of 1,613,916 alleles (0.000062%); highest among the groups gnomAD compares: Non-Finnish European, 0.000085%; no homozygotes.

Submissions (2):

Labcorp Genetics (formerly Invitae), Labcorp
Classification: Pathogenic for Hereditary spastic paraplegia 31. Last evaluated: 2024-05-01. Review status: criteria provided, single submitter. Criteria: Invitae Variant Classification Sherloc (09022015). Collection method: clinical testing. Allele origin: germline.
Comment: This sequence change creates a premature translational stop signal (p.Tyr115*) in the REEP1 gene. It is expected to result in an absent or disrupted protein product. Loss-of-function variants in REEP1 are known to be pathogenic (PMID: 18321925, 18644145, 32655478). This variant is not present in population databases (gnomAD no frequency). This premature translational stop signal has been observed in individual(s) with hereditary spastic paraplegia (PMID: 18644145). ClinVar contains an entry for this variant (Variation ID: 844577). Algorithms developed to predict the effect of variants on gene product structure and function are not available or were not evaluated for this variant. Experimental studies have shown that this premature translational stop signal affects REEP1 function (PMID: 26201691). For these reasons, this variant has been classified as Pathogenic.

GeneDx
Classification: Likely pathogenic. Last evaluated: 2023-10-27. Review status: criteria provided, single submitter. Criteria: GeneDx Variant Classification Process June 2021. Collection method: clinical testing. Allele origin: germline. Affected: yes.
Comment: Reported in a proband with a personal and family history of hereditary spastic paraplegia (PMID: 18644145); Nonsense variant predicted to result in protein truncation or nonsense mediated decay in a gene for which loss of function is a known mechanism of disease (PMID: 26201691); In vitro studies suggest decreased neurite growth in transfected murine cortical cultures (PMID: 26201691); Not observed at significant frequency in large population cohorts (gnomAD); This variant is associated with the following publications: (PMID: 25525159, 22703882, 18644145, 31913854, 26201691)

Literature cited by the submitters: PubMed 18321925 (cited by Labcorp Genetics (formerly Invitae), Labcorp); PubMed 18644145 (cited by Labcorp Genetics (formerly Invitae), Labcorp); PubMed 32655478 (cited by Labcorp Genetics (formerly Invitae), Labcorp); PubMed 26201691 (cited by Labcorp Genetics (formerly Invitae), Labcorp).

NM_001371279.1(REEP1):c.345C>A (p.Tyr115Ter)

Gene: REEP1 (receptor accessory protein 1; minus strand). Cytogenetic location: 2p11.2.
Variant type: single nucleotide variant.
Coding change: c.345C>A on transcript NM_001371279.1 (MANE Select); coding-DNA position 345, C replaced by A.
Protein change: p.Tyr115Ter; replaces tyrosine 115 with a stop codon.
Molecular consequence: nonsense. On other transcripts: intron variant (1).
Genome position (GRCh38, 1-based): chr2:86,252,029, G>T on the plus strand (C>A on the coding strand, the complement: REEP1 is on the minus strand). VCF-style: chr2-86252029-G-T. GRCh37 (hg19) VCF-style: chr2-86479152-G-T.
Other names: c.366C>A, p.Tyr122Ter (NM_001164730.2); c.264C>A, p.Tyr88Ter (NM_001164731.2); c.345C>A, p.Tyr115Ter (NM_001371280.1, NM_022912.3); c.182+11936C>A (NM_001164732.2); short protein forms Y115*, Y122*, Y88*.
Identifiers: ClinVar variation 844577 (VCV000844577.10), dbSNP rs138656911, ClinGen allele CA347716240.